The following is an entry in ClinVar:

NM_000104.4(CYP1B1):c.640T>A (p.Tyr214Asn)

Gene: CYP1B1 (cytochrome P450 family 1 subfamily B member 1; minus strand). Cytogenetic location: 2p22.2.
Variant type: single nucleotide variant.
Coding change: c.640T>A on transcript NM_000104.4 (MANE Select); coding-DNA position 640, T replaced by A.
Protein change: p.Tyr214Asn; replaces tyrosine 214 with asparagine.
Molecular consequence: missense variant.
Genome position (GRCh38, 1-based): chr2:38,074,749, A>T on the plus strand (T>A on the coding strand, the complement: CYP1B1 is on the minus strand). VCF-style: chr2-38074749-A-T. GRCh37 (hg19) VCF-style: chr2-38301892-A-T.
Other names: short protein forms Y214N.
Identifiers: ClinVar variation 3364236 (VCV003364236.2).

ClinVar aggregate classification (germline): Uncertain significance (1 of 4 stars; one submission).

Submission:

GeneDx
Classification: Uncertain significance. Last evaluated: 2026-09-13. Review status: criteria provided, single submitter. Criteria: GeneDx Variant Classification Process June 2021. Collection method: clinical testing. Allele origin: germline.
Comment: Has not been previously published as pathogenic or benign to our knowledge; Not observed at significant frequency in large population cohorts (gnomAD); In silico analysis supports that this missense variant has a deleterious effect on protein structure/function